The following is an entry in ClinVar:

ClinVar aggregate classification (germline): Uncertain significance (1 of 4 stars; one submission).

gnomAD v4.1: 1 of 1,614,162 alleles (0.000062%); highest among the groups gnomAD compares: African/African-American, 0.0013%; no homozygotes.

Submission:

Labcorp Genetics (formerly Invitae), Labcorp
Classification: Uncertain significance. Last evaluated: 2023-10-23. Review status: criteria provided, single submitter. Criteria: Invitae Variant Classification Sherloc (09022015). Collection method: clinical testing. Allele origin: germline.
Comment: This sequence change replaces glycine, which is neutral and non-polar, with arginine, which is basic and polar, at codon 40 of the LZTS1 protein (p.Gly40Arg). This variant is not present in population databases (gnomAD no frequency). This variant has not been reported in the literature in individuals affected with LZTS1-related conditions. Advanced modeling of protein sequence and biophysical properties (such as structural, functional, and spatial information, amino acid conservation, physicochemical variation, residue mobility, and thermodynamic stability) performed at Invitae indicates that this missense variant is not expected to disrupt LZTS1 protein function with a negative predictive value of 80%. In summary, the available evidence is currently insufficient to determine the role of this variant in disease. Therefore, it has been classified as a Variant of Uncertain Significance.

NM_021020.5(LZTS1):c.118G>C (p.Gly40Arg)

Gene: LZTS1 (leucine zipper tumor suppressor 1; minus strand). Cytogenetic location: 8p21.3.
Variant type: single nucleotide variant.
Coding change: c.118G>C on transcript NM_021020.5 (MANE Select); coding-DNA position 118, G replaced by C.
Protein change: p.Gly40Arg; replaces glycine 40 with arginine.
Molecular consequence: missense variant.
Genome position (GRCh38, 1-based): chr8:20,255,064, C>G on the plus strand (G>C on the coding strand, the complement: LZTS1 is on the minus strand). VCF-style: chr8-20255064-C-G. GRCh37 (hg19) VCF-style: chr8-20112575-C-G.
Other names: c.118G>C, p.Gly40Arg (NM_001362884.2); short protein forms G40R.
Identifiers: ClinVar variation 2833838 (VCV002833838.3), dbSNP rs887212256, ClinGen allele CA370478968.
Genomic context (GRCh38, chr8:20,255,064, plus strand): 5'-CCATTTTGGAGCTGGACTTGCCGTGACCGGAGTCCTGGGAGAAGCCAAACCTCAGCAGCC[C>G]GTCGGAATACCGGTTGAGCTTCTTGAGGTGGGAGGACTTGCGCAGCTTGTACTGCGAAGC-3'
Protein context (NP_066300.1, residues 30-50): HLKKLNRYSD[Gly40Arg]LLRFGFSQDS